The following is an entry in ClinVar:

NM_032043.3(BRIP1):c.341C>T (p.Pro114Leu)

Gene: BRIP1 (BRCA1 interacting DNA helicase 1; minus strand). Cytogenetic location: 17q23.2.
Variant type: single nucleotide variant.
Coding change: c.341C>T on transcript NM_032043.3 (MANE Select); coding-DNA position 341, C replaced by T.
Protein change: p.Pro114Leu; replaces proline 114 with leucine.
Molecular consequence: missense variant.
Genome position (GRCh38, 1-based): chr17:61,857,096, G>A on the plus strand (C>T on the coding strand, the complement: BRIP1 is on the minus strand). VCF-style: chr17-61857096-G-A. GRCh37 (hg19) VCF-style: chr17-59934457-G-A.
Other names: short protein forms P114L.
Identifiers: ClinVar variation 231109 (VCV000231109.11), dbSNP rs876658965, ClinGen allele CA10580885.

ClinVar aggregate classification (germline): Uncertain significance. Review status: criteria provided, multiple submitters, no conflicts (2 of 4 stars). 2 submissions from 2 submitters: Uncertain significance (2). Last evaluated 2023-09-27.

Conditions:
Hereditary cancer-predisposing syndrome. Also called: Hereditary Cancer Syndrome; Neoplastic Syndromes, Hereditary; Tumor predisposition; Hereditary neoplastic syndrome. Identifiers: Orphanet 140162, MedGen C0027672, MeSH D009386, MONDO:0015356.
Fanconi anemia complementation group J. Also called: BRIP1-Related Fanconi Anemia. Identifiers: Orphanet 84, MedGen C1836860, MONDO:0012187, OMIM 609054.
Familial cancer of breast. Also called: Hereditary breast cancer; hereditary breast carcinoma; BREAST CANCER, FAMILIAL. Identifiers: Orphanet 227535, MedGen C0346153, MONDO:0016419, OMIM 114480. Disease mechanism: loss of function.

Submissions (2):

Ambry Genetics
Classification: Uncertain significance for Hereditary cancer-predisposing syndrome. Last evaluated: 2023-09-27. Review status: criteria provided, single submitter. Criteria: Ambry Variant Classification Scheme 2023. Collection method: clinical testing. Allele origin: germline.
Comment: The p.P114L variant (also known as c.341C>T), located in coding exon 3 of the BRIP1 gene, results from a C to T substitution at nucleotide position 341. The proline at codon 114 is replaced by leucine, an amino acid with similar properties. This amino acid position is not well conserved in available vertebrate species. In addition, this alteration is predicted to be tolerated by in silico analysis. Since supporting evidence is limited at this time, the clinical significance of this alteration remains unclear.

Labcorp Genetics (formerly Invitae), Labcorp
Classification: Uncertain significance for Familial cancer of breast; Fanconi anemia complementation group J. Last evaluated: 2022-09-23. Review status: criteria provided, single submitter. Criteria: Invitae Variant Classification Sherloc (09022015). Collection method: clinical testing. Allele origin: germline.
Comment: Advanced modeling of protein sequence and biophysical properties (such as structural, functional, and spatial information, amino acid conservation, physicochemical variation, residue mobility, and thermodynamic stability) performed at Invitae indicates that this missense variant is not expected to disrupt BRIP1 protein function. In summary, the available evidence is currently insufficient to determine the role of this variant in disease. Therefore, it has been classified as a Variant of Uncertain Significance. ClinVar contains an entry for this variant (Variation ID: 231109). This sequence change replaces proline, which is neutral and non-polar, with leucine, which is neutral and non-polar, at codon 114 of the BRIP1 protein (p.Pro114Leu). This variant is not present in population databases (gnomAD no frequency). This variant has not been reported in the literature in individuals affected with BRIP1-related conditions.